The following is an entry in ClinVar:

NM_000553.6(WRN):c.3500A>G (p.His1167Arg)

Gene: WRN (WRN RecQ like helicase; plus strand). Cytogenetic location: 8p12.
Variant type: single nucleotide variant.
Coding change: c.3500A>G on transcript NM_000553.6 (MANE Select); coding-DNA position 3500, A replaced by G.
Protein change: p.His1167Arg; replaces histidine 1167 with arginine.
Molecular consequence: missense variant.
Genome position (GRCh38, 1-based): chr8:31,147,404, A>G. VCF-style: chr8-31147404-A-G. GRCh37 (hg19) VCF-style: chr8-31004920-A-G.
Other names: short protein forms H1167R.
Identifiers: ClinVar variation 838742 (VCV000838742.6), dbSNP rs149071983, ClinGen allele CA4705092.

ClinVar aggregate classification (germline): Uncertain significance (1 of 4 stars; one submission).

Conditions:
Werner syndrome (WRN). Identifiers: Orphanet 902, MedGen C0043119, MONDO:0010196, OMIM 277700.

Allele frequency attached by ClinVar (database versions not stated): gnomAD exomes below 0.00001; ExAC 0.00001; gnomAD 0.00003 and 0.00004; TOPMed 0.00003; ESP Exome Variant Server 0.00008.
gnomAD v4.1: 5 of 1,614,000 alleles (0.00031%); highest among the groups gnomAD compares: African/African-American, 0.0067%; no homozygotes.

Submission:

Labcorp Genetics (formerly Invitae), Labcorp
Classification: Uncertain significance for Werner syndrome. Last evaluated: 2024-03-08. Review status: criteria provided, single submitter. Criteria: Invitae Variant Classification Sherloc (09022015). Collection method: clinical testing. Allele origin: germline.
Comment: This sequence change replaces histidine, which is basic and polar, with arginine, which is basic and polar, at codon 1167 of the WRN protein (p.His1167Arg). This variant is present in population databases (rs149071983, gnomAD 0.01%). This variant has not been reported in the literature in individuals affected with WRN-related conditions. ClinVar contains an entry for this variant (Variation ID: 838742). An algorithm developed to predict the effect of missense changes on protein structure and function (PolyPhen-2) suggests that this variant is likely to be tolerated. In summary, the available evidence is currently insufficient to determine the role of this variant in disease. Therefore, it has been classified as a Variant of Uncertain Significance.